The following is an entry in ClinVar:

NM_005618.4(DLL1):c.950G>A (p.Arg317Gln)

Gene: DLL1 (delta like canonical Notch ligand 1; minus strand). Cytogenetic location: 6q27.
Variant type: single nucleotide variant.
Coding change: c.950G>A on transcript NM_005618.4 (MANE Select); coding-DNA position 950, G replaced by A.
Protein change: p.Arg317Gln; replaces arginine 317 with glutamine.
Molecular consequence: missense variant.
Genome position (GRCh38, 1-based): chr6:170,285,336, C>T on the plus strand (G>A on the coding strand, the complement: DLL1 is on the minus strand). VCF-style: chr6-170285336-C-T. GRCh37 (hg19) VCF-style: chr6-170594424-C-T.
Other names: short protein forms R317Q.
Identifiers: ClinVar variation 2153360 (VCV002153360.8), dbSNP rs200280225, ClinGen allele CA4106973.

ClinVar aggregate classification (germline): Benign. Review status: criteria provided, multiple submitters, no conflicts (2 of 4 stars). 2 submissions from 2 submitters: Benign (2). Last evaluated 2026-01-01.

Allele frequency attached by ClinVar (database versions not stated): TOPMed 0.00011; gnomAD 0.00029; gnomAD exomes 0.00053; ExAC 0.00144; 1000 Genomes Project 30x 0.00156; 1000 Genomes Project 0.00180.
gnomAD v4.1: 831 of 1,614,140 alleles (0.051%); highest among the groups gnomAD compares: South Asian, 0.81%; 7 homozygotes.

Submissions (2):

CeGaT Center for Human Genetics Tuebingen
Classification: Benign. Last evaluated: 2026-01-01. Review status: criteria provided, single submitter. Criteria: CeGaT Center For Human Genetics Tuebingen Variant Classification Criteria Version 2. Collection method: clinical testing. Allele origin: germline. Affected: yes. Observed: 1 variant allele.
Comment: DLL1: BP4, BS1, BS2

Labcorp Genetics (formerly Invitae), Labcorp
Classification: Benign. Last evaluated: 2025-12-15. Review status: criteria provided, single submitter. Criteria: Invitae Variant Classification Sherloc (09022015). Collection method: clinical testing. Allele origin: germline.